The following is an entry in ClinVar:

NM_001136030.3(TESPA1):c.1419G>A (p.Leu473=)

Gene: TESPA1 (thymocyte expressed, positive selection associated 1; minus strand). Cytogenetic location: 12q13.2.
Variant type: single nucleotide variant.
Coding change: c.1419G>A on transcript NM_001136030.3 (MANE Select); coding-DNA position 1419, G replaced by A.
Protein change: p.Leu473=; no amino-acid change (leucine 473 retained).
Molecular consequence: synonymous variant. On other transcripts: non-coding transcript variant (12).
Genome position (GRCh38, 1-based): chr12:54,962,479, C>T on the plus strand (G>A on the coding strand, the complement: TESPA1 is on the minus strand). VCF-style: chr12-54962479-C-T. GRCh37 (hg19) VCF-style: chr12-55356263-C-T.
Other names: c.660G>A, p.Leu220= (NM_001351155.1, NM_001351151.1, NM_001351152.1 and 2 more transcripts); c.1005G>A, p.Leu335= (NM_014796.2, NM_001261844.1, NM_001351148.1); c.1419G>A, p.Leu473= (NM_001098815.3, NM_001351149.2); c.792G>A, p.Leu264= (NM_001351150.1).
Identifiers: ClinVar variation 2643058 (VCV002643058.24), dbSNP rs1376618480, ClinGen allele CA480096126.
Genomic context (GRCh38, chr12:54,962,479, plus strand): 5'-CAACCCACTTACCTCCTCCAAGTCAAAAGTGTCCTGTGGCTGCTGGCTTAAAGACCGACG[C>T]AGTTCTGGTCTGTCTACACTCTGCTTCCATTTCTGCTGGGTGATGGACAGGTCCAAGGAC-3'
Protein context (NP_001129502.1, residues 463-483): KWKQSVDRPE[Leu473=]RRSLSQQPQD

ClinVar aggregate classification (germline): Likely benign (1 of 4 stars; one submission).

gnomAD v4.1: 5 of 1,612,872 alleles (0.00031%); highest among the groups gnomAD compares: Middle Eastern, 0.019%; no homozygotes.

Submission:

CeGaT Center for Human Genetics Tuebingen
Classification: Likely benign. Last evaluated: 2022-06-01. Review status: criteria provided, single submitter. Criteria: CeGaT Center For Human Genetics Tuebingen Variant Classification Criteria Version 2. Collection method: clinical testing. Allele origin: germline. Affected: yes. Observed: 1 variant allele.
Comment: TESPA1: PM2:Supporting, BP4, BP7